The following is an entry in ClinVar:

ClinVar aggregate classification (germline): Uncertain significance. Review status: criteria provided, multiple submitters, no conflicts (2 of 4 stars). 2 submissions from 2 submitters: Uncertain significance (2). Last evaluated 2025-02-27.

Conditions:
Gastrointestinal stromal tumor. Also called: Gastrointestinal stromal tumor, somatic; Gastrointestinal stroma tumor. Identifiers: Orphanet 44890, MedGen C0238198, MeSH D046152, MONDO:0011719, OMIM 606764, HP:0100723.
Hereditary cancer-predisposing syndrome. Also called: Tumor predisposition; Neoplastic Syndromes, Hereditary; Hereditary neoplastic syndrome; Hereditary Cancer Syndrome. Identifiers: Orphanet 140162, MedGen C0027672, MeSH D009386, MONDO:0015356.

Allele frequency attached by ClinVar (database versions not stated): TOPMed below 0.00001.

Submissions (2):

Ambry Genetics
Classification: Uncertain significance for Hereditary cancer-predisposing syndrome. Last evaluated: 2025-02-27. Review status: criteria provided, single submitter. Criteria: Ambry Variant Classification Scheme 2023. Collection method: clinical testing. Allele origin: germline.
Comment: The p.Y720C variant (also known as c.2159A>G), located in coding exon 15 of the PDGFRA gene, results from an A to G substitution at nucleotide position 2159. The tyrosine at codon 720 is replaced by cysteine, an amino acid with highly dissimilar properties. This amino acid position is conserved. In addition, this alteration is predicted to be deleterious by in silico analysis. Based on the available evidence, the clinical significance of this variant remains unclear.

Labcorp Genetics (formerly Invitae), Labcorp
Classification: Uncertain significance for Gastrointestinal stromal tumor. Last evaluated: 2024-03-28. Review status: criteria provided, single submitter. Criteria: Invitae Variant Classification Sherloc (09022015). Collection method: clinical testing. Allele origin: germline.
Comment: This sequence change replaces tyrosine, which is neutral and polar, with cysteine, which is neutral and slightly polar, at codon 720 of the PDGFRA protein (p.Tyr720Cys). This variant is not present in population databases (gnomAD no frequency). This variant has not been reported in the literature in individuals affected with PDGFRA-related conditions. ClinVar contains an entry for this variant (Variation ID: 1037517). An algorithm developed to predict the effect of missense changes on protein structure and function (PolyPhen-2) suggests that this variant is likely to be disruptive. In summary, the available evidence is currently insufficient to determine the role of this variant in disease. Therefore, it has been classified as a Variant of Uncertain Significance.

NM_006206.6(PDGFRA):c.2159A>G (p.Tyr720Cys)

Gene: PDGFRA (platelet derived growth factor receptor alpha; plus strand). Cytogenetic location: 4q12.
Variant type: single nucleotide variant.
Coding change: c.2159A>G on transcript NM_006206.6 (MANE Select); coding-DNA position 2159, A replaced by G.
Protein change: p.Tyr720Cys; replaces tyrosine 720 with cysteine.
Molecular consequence: missense variant.
Genome position (GRCh38, 1-based): chr4:54,280,318, A>G. VCF-style: chr4-54280318-A-G. GRCh37 (hg19) VCF-style: chr4-55146485-A-G.
Other names: c.2159A>G (NM_006206.4); c.2159A>G, p.Tyr720Cys (NM_001347827.2, NM_001347829.2); c.2234A>G, p.Tyr745Cys (NM_001347828.2); c.2198A>G, p.Tyr733Cys (NM_001347830.2); short protein forms Y720C, Y745C, Y733C.
Identifiers: ClinVar variation 1037517 (VCV001037517.10), dbSNP rs1352839721, ClinGen allele CA356894189.